The following is an entry in ClinVar:

ClinVar aggregate classification (germline): Pathogenic (1 of 4 stars; one submission).

Conditions:
Hereditary cancer-predisposing syndrome. Also called: Neoplastic Syndromes, Hereditary; Tumor predisposition; Hereditary neoplastic syndrome; Hereditary Cancer Syndrome. Identifiers: Orphanet 140162, MedGen C0027672, MeSH D009386, MONDO:0015356.

Submission:

Ambry Genetics
Classification: Pathogenic for Hereditary cancer-predisposing syndrome. Last evaluated: 2026-08-10. Review status: criteria provided, single submitter. Criteria: Ambry Variant Classification Scheme 2023. Collection method: clinical testing. Allele origin: germline.
Comment: The c.391_397dupAACCAAA pathogenic mutation, located in coding exon 2 of the VHL gene, results from a duplication of AACCAAA at nucleotide position 391, causing a translational frameshift with a predicted alternate stop codon (p.T133Kfs*4). This variant occurs at the 3' terminus of the gene, is not expected to trigger nonsense-mediated mRNA decay, and impacts the last 38% of the protein. However, premature stop codons are typically deleterious in nature and the impacted region is critical for protein function (Ambry internal data). This variant is considered to be rare based on population cohorts in the Genome Aggregation Database (gnomAD). Based on the supporting evidence, this variant is interpreted as a disease-causing mutation.

NM_000551.4(VHL):c.391_397dup (p.Thr133fs)

Genes: VHL (von Hippel-Lindau tumor suppressor; plus strand), LOC107303340 (3p25 von Hippel-Lindau tumor suppressor, E3 ubiquitin protein ligase Alu-mediated recombination region; plus strand). Cytogenetic location: 3p25.3.
Variant type: Duplication.
Coding change: c.391_397dup on transcript NM_000551.4 (MANE Select); coding-DNA positions 391 to 397, 7 bases duplicated (AACCAAA; older notation c.391_397dupAACCAAA).
Protein change: p.Thr133fs; shifts the reading frame from threonine 133.
Molecular consequence: frameshift variant. On other transcripts: non-coding transcript variant (1), intron variant (2).
Genome position (GRCh38, 1-based): chr3:10,146,564-10,146,570, AACCAAA duplicated. VCF-style (leftmost placement, unchanged base first): chr3-10146563-T-TAACCAAA. GRCh37 (hg19) VCF-style: chr3-10188247-T-TAACCAAA.
Other names: c.*18-3223_*18-3217dup (NM_001354723.2); c.341-3223_341-3217dup (NM_198156.3); c.391_397dupAACCAAA (NM_000551.3); short protein forms T133fs.
Identifiers: ClinVar variation 5031704 (VCV005031704.1).